The following is an entry in ClinVar:

ClinVar aggregate classification (germline): Conflicting classifications of pathogenicity. Review status: criteria provided, conflicting classifications (1 of 4 stars). 4 submissions from 4 submitters: Likely pathogenic (1); Uncertain significance (3). Last evaluated 2026-04-13.

Conditions:
Inborn genetic diseases. Identifiers: MedGen C0950123, MeSH D030342.
Sulfite oxidase deficiency due to molybdenum cofactor deficiency type A. Also called: Molybdenum Cofactor Deficiency A; Molybdenum cofactor deficiency, complementation group A. Identifiers: Orphanet 308386, Orphanet 833, MedGen C1854988, MONDO:0009643, OMIM 252150.

Allele frequency attached by ClinVar (database versions not stated): ExAC 0.00001; gnomAD 0.00002; gnomAD exomes 0.00002 and 0.00004; TOPMed 0.00002.
gnomAD v4.1: 63 of 1,613,142 alleles (0.0039%); highest among the groups gnomAD compares: Non-Finnish European, 0.005%; no homozygotes.

Submissions (4):

Centre for Medical Genetics,  Mumbai
Classification: Likely pathogenic for Sulfite oxidase deficiency due to molybdenum cofactor deficiency type A. Last evaluated: 2026-04-13. Review status: criteria provided, single submitter. Criteria: ACMG Guidelines, 2015. Collection method: provider interpretation. Allele origin: germline. Inheritance: Autosomal recessive inheritance. Affected: yes. Observed: 1 variant allele, 1 homozygote.
Comment: The variant satisfies the following ACMG criteria: PM2- extremely low frequency in gnomAD population databases, PP3- computational prediction tools unanimously support a deleterious effect on the gene, PP4 - patient’s phenotype or family history is highly specific for a disease with a single genetic etiology

3billion
Classification: Uncertain significance for Sulfite oxidase deficiency due to molybdenum cofactor deficiency type A. Last evaluated: 2025-01-20. Review status: criteria provided, single submitter. Criteria: ACMG Guidelines, 2015. Collection method: clinical testing. Allele origin: germline. Affected: yes.
Comment: The variant is observed at an extremely low frequency in the gnomAD v4.1.0 dataset (total allele frequency: 0.004%). Predicted Consequence/Location: Intron variant In silico tools predict the variant to alter splicing and produce an abnormal transcript [SpliceAI: 0.99 (>=0.2, moderate evidence for spliceogenicity)]. The variant has been reported as of uncertain significance (ClinVar ID: VCV001439398). Therefore, this variant is classified as VUS according to the recommendation of ACMG/AMP guideline.

Labcorp Genetics (formerly Invitae), Labcorp
Classification: Uncertain significance for Sulfite oxidase deficiency due to molybdenum cofactor deficiency type A. Last evaluated: 2024-12-09. Review status: criteria provided, single submitter. Criteria: Invitae Variant Classification Sherloc (09022015). Collection method: clinical testing. Allele origin: germline.
Comment: This sequence change falls in intron 5 of the MOCS1 gene. It does not directly change the encoded amino acid sequence of the MOCS1 protein. This variant is present in population databases (rs764778534, gnomAD 0.003%). This variant has not been reported in the literature in individuals affected with MOCS1-related conditions. ClinVar contains an entry for this variant (Variation ID: 1439398). Algorithms developed to predict the effect of sequence changes on RNA splicing suggest that this variant may disrupt the consensus splice site. In summary, the available evidence is currently insufficient to determine the role of this variant in disease. Therefore, it has been classified as a Variant of Uncertain Significance.

Ambry Genetics
Classification: Uncertain significance for Inborn genetic diseases. Last evaluated: 2022-02-08. Review status: criteria provided, single submitter. Criteria: Ambry Variant Classification Scheme 2023. Collection method: clinical testing. Allele origin: germline.
Comment: The c.646-6G>A intronic alteration consists of a G to A substitution 6 nucleotides before coding exon 5 in the MOCS1 gene. Based on insufficient or conflicting evidence, the clinical significance of this alteration remains unclear.

Literature cited by the submitters: PubMed 9731530 (cited by Centre for Medical Genetics,  Mumbai).

NM_001358530.2(MOCS1):c.646-6G>A

Gene: MOCS1 (molybdenum cofactor synthesis 1; minus strand). Cytogenetic location: 6p21.2.
Variant type: single nucleotide variant.
Coding change: c.646-6G>A on transcript NM_001358530.2 (MANE Select); 6 bases into the intron before coding-DNA position 646, G replaced by A.
Molecular consequence: intron variant.
Genome position (GRCh38, 1-based): chr6:39,913,434, C>T on the plus strand (G>A on the coding strand, the complement: MOCS1 is on the minus strand). VCF-style: chr6-39913434-C-T. GRCh37 (hg19) VCF-style: chr6-39881178-C-T.
Other names: c.385-6G>A (NM_001358531.2, NM_001358533.2, NM_001358534.2); c.646-6G>A (NM_001358529.2, NM_001075098.4, NM_005943.6 and 1 more transcripts).
Identifiers: ClinVar variation 1439398 (VCV001439398.8), dbSNP rs764778534, ClinGen allele CA3796193.